The following is an entry in ClinVar:

NM_000441.2(SLC26A4):c.282T>C (p.Thr94=)

Gene: SLC26A4 (solute carrier family 26 member 4; plus strand). Cytogenetic location: 7q22.3.
Variant type: single nucleotide variant.
Coding change: c.282T>C on transcript NM_000441.2 (MANE Select); coding-DNA position 282, T replaced by C.
Protein change: p.Thr94=; no amino-acid change (threonine 94 retained).
Molecular consequence: synonymous variant.
Genome position (GRCh38, 1-based): chr7:107,663,413, T>C. VCF-style: chr7-107663413-T-C. GRCh37 (hg19) VCF-style: chr7-107303858-T-C.
Other names: c.282T>C (NM_000441.1).
Identifiers: ClinVar variation 2785227 (VCV002785227.5), dbSNP rs1264141316, ClinGen allele CA457104404.
Genomic context (GRCh38, chr7:107,663,413, plus strand): 5'-GCTCCCCAAATACCGAGTCAAGGAATGGCTGCTTAGTGACGTCATTTCGGGAGTTAGTAC[T>C]GGGCTAGTGGCCACGCTGCAAGGTAAGATGTTGGCAGATTGAGAGTTCTGGTCTCCAGCA-3'
Protein context (NP_000432.1, residues 84-104): LLSDVISGVS[Thr94=]GLVATLQGMA

ClinVar aggregate classification (germline): Likely benign. Review status: criteria provided, single submitter (1 of 4 stars). 2 submissions from 2 submitters: Likely benign (1). 1 of the submissions does not count toward it. Last evaluated 2022-12-31.

Conditions:
SLC26A4-related disorder. Also called: SLC26A4-related disorders; SLC26A4-related condition.

Submissions (2):

Labcorp Genetics (formerly Invitae), Labcorp
Classification: Likely benign. Last evaluated: 2022-12-31. Review status: criteria provided, single submitter. Criteria: Invitae Variant Classification Sherloc (09022015). Collection method: clinical testing. Allele origin: germline.

PreventionGenetics, part of Exact Sciences
Classification: Likely benign for SLC26A4-related condition. Last evaluated: 2020-12-07. Review status: no assertion criteria provided. Collection method: clinical testing. Allele origin: germline. Not counted in ClinVar's aggregate classification.
Comment: This variant is classified as likely benign based on ACMG/AMP sequence variant interpretation guidelines (Richards et al. 2015 PMID: 25741868, with internal and published modifications).